The following is an entry in ClinVar:

ClinVar aggregate classification (germline): Pathogenic/Likely pathogenic. Review status: criteria provided, multiple submitters, no conflicts (2 of 4 stars). 6 submissions from 6 submitters: Pathogenic (2); Likely pathogenic (3). 1 of the submissions does not count toward it. Last evaluated 2025-06-01.

Conditions:
Familial cystic renal disease. Identifiers: Orphanet 93587, MedGen C5680285, MONDO:0019741.
ALG8 congenital disorder of glycosylation. Also called: CONGENITAL DISORDER OF GLYCOSYLATION, TYPE Ih; CDG Ih; ALG8-CDG. Identifiers: Orphanet 79325, MedGen C2931002, MONDO:0011969, OMIM 608104.
Polycystic liver disease 3 with or without kidney cysts. Identifiers: MedGen C4693472, MONDO:0054743, OMIM 617874.
Autosomal dominant polycystic liver disease. Also called: Congenital cystic disease of liver; Polycystic liver disease. Identifiers: Orphanet 2924, MedGen C0158683, MONDO:0000447, HP:0006557.
ALG8-related disorder.

Allele frequency attached by ClinVar (database versions not stated): TOPMed below 0.00001; gnomAD 0.00001; gnomAD exomes 0.00003 and 0.00010; ExAC 0.00019.

Submissions (6):

Mayo Translational Polycystic Kidney Disease Center, Mayo Clinic
Classification: Pathogenic for Familial cystic renal disease. Last evaluated: 2025-06-01. Review status: criteria provided, single submitter. Criteria: ACMG Guidelines, 2015. Collection method: research. Allele origin: germline. Inheritance: Autosomal dominant inheritance. Affected: yes.
Comment: The c.981dupA variant in the ALG8 gene results in a frameshift starting at codon 328, leading to a premature stop codon 28 amino acids downstream (p.Val328SerfsTer28). This alteration is expected to cause a truncated protein, which is consistent with loss-of-function (LoF), a known mechanism of disease for ALG8. Therefore, this variant meets the PVS1 criterion. It is extremely rare, with an allele frequency of less than 0.01% in population databases such as gnomAD v4.1.0, supporting PM2. Additionally, the variant has been identified in three individuals presenting with kidney and/or liver cysts, providing clinical correlation with the associated phenotype and supporting PP4 (Jawaid, 2025). Given the gene-disease relationship, the variant’s rarity, and its deleterious molecular consequence, this variant is best classified as pathogenic.

PreventionGenetics, part of Exact Sciences
Classification: Likely pathogenic for ALG8-related condition. Last evaluated: 2023-07-19. Review status: criteria provided, single submitter. Criteria: ACMG Guidelines, 2015. Collection method: clinical testing. Allele origin: germline.
Comment: The ALG8 c.981dupA variant is predicted to result in a frameshift and premature protein termination (p.Val328Serfs*28). To our knowledge, this variant has not been reported in the literature. This variant is reported in 0.018% of alleles in individuals of European (Finnish) descent in gnomAD. Frameshift variants in ALG8 are expected to be pathogenic. This variant is interpreted as likely pathogenic.

Blueprint Genetics
Classification: Likely pathogenic for ALG8-related disorders. Last evaluated: 2023-03-30. Review status: criteria provided, single submitter. Criteria: ACMG Guidelines, 2015. Collection method: clinical testing. Allele origin: germline. Affected: yes. Observed: 3 variant alleles.

Labcorp Genetics (formerly Invitae), Labcorp
Classification: Pathogenic for ALG8 congenital disorder of glycosylation. Last evaluated: 2022-02-03. Review status: criteria provided, single submitter. Criteria: Invitae Variant Classification Sherloc (09022015). Collection method: clinical testing. Allele origin: germline.
Comment: For these reasons, this variant has been classified as Pathogenic. ClinVar contains an entry for this variant (Variation ID: 956334). This variant has not been reported in the literature in individuals affected with ALG8-related conditions. This variant is present in population databases (rs777686455, gnomAD 0.02%). This sequence change creates a premature translational stop signal (p.Val328Serfs*28) in the ALG8 gene. It is expected to result in an absent or disrupted protein product. Loss-of-function variants in ALG8 are known to be pathogenic (PMID: 19862844).

Fulgent Genetics
Classification: Likely pathogenic for ALG8 congenital disorder of glycosylation; Polycystic liver disease 3 with or without kidney cysts. Last evaluated: 2022-01-25. Review status: criteria provided, single submitter. Criteria: ACMG Guidelines, 2015. Collection method: clinical testing. Allele origin: unknown.

Laboratory of Gastroenterology and Hepatology, Radboud University Medical Center
Classification: Pathogenic for Isolated polycystic liver disease. Last evaluated: 2021-06-08. Review status: no assertion criteria provided. Collection method: research. Allele origin: germline. Affected: yes. Not counted in ClinVar's aggregate classification.

Literature cited by the submitters: PubMed 39899384 (cited by Mayo Translational Polycystic Kidney Disease Center, Mayo Clinic); PubMed 19862844 (cited by Labcorp Genetics (formerly Invitae), Labcorp).

NM_024079.5(ALG8):c.981dup (p.Val328fs)

Gene: ALG8 (ALG8 alpha-1,3-glucosyltransferase; minus strand). Cytogenetic location: 11q14.1.
Variant type: Duplication.
Coding change: c.981dup on transcript NM_024079.5 (MANE Select); coding-DNA position 981, one base duplicated (A; older notation c.981dupA).
Protein change: p.Val328fs; shifts the reading frame from valine 328.
Molecular consequence: frameshift variant.
Genome position (GRCh38, 1-based): chr11:78,109,499, T duplicated on the plus strand (A on the coding strand, the reverse complement: ALG8 is on the minus strand). VCF-style (leftmost placement, unchanged base first): chr11-78109498-C-CT. GRCh37 (hg19) VCF-style: chr11-77820544-C-CT.
Other names: c.981dupA (NM_024079.5, NM_024079.4); c.981dup, p.Val328fs (NM_001007027.3); short protein forms V328fs.
Identifiers: ClinVar variation 956334 (VCV000956334.33), dbSNP rs777686455, ClinGen allele CA6203258.